The following is an entry in ClinVar:

ClinVar aggregate classification (germline): Likely pathogenic (1 of 4 stars; one submission).

Conditions:
Pyruvate carboxylase deficiency. Also called: ATAXIA WITH LACTIC ACIDOSIS II; LEIGH NECROTIZING ENCEPHALOPATHY DUE TO PYRUVATE CARBOXYLASE DEFICIENCY; LEIGH SYNDROME DUE TO PYRUVATE CARBOXYLASE DEFICIENCY; PC DEFICIENCY; Pyruvate Carboxylase Deficiency Disease. Identifiers: Orphanet 3008, MedGen C0034341, MONDO:0009949, OMIM 266150.

Submission:

Myriad Genetics, Inc.
Classification: Likely pathogenic for Pyruvate carboxylase deficiency. Last evaluated: 2021-12-16. Review status: criteria provided, single submitter. Criteria: Myriad Women's Health Autosomal Recessive and X-Linked Classification Criteria (2021). Collection method: clinical testing. Allele origin: unknown.
Comment: NM_000920.3(PC):c.2804_2805delCG(A935Gfs*31) is expected to be pathogenic in the context of pyruvate carboxylase deficiency. This variant is predicted to lead to an abnormal or absent protein product due to the creation of a premature termination codon in PC, a gene where loss-of-function variants are known to be pathogenic. Please note: this variant was assessed in the context of healthy population screening.

NM_001040716.2(PC):c.2804_2805del (p.Ala935fs)

Gene: PC (pyruvate carboxylase; minus strand). Cytogenetic location: 11q13.2.
Variant type: Deletion.
Coding change: c.2804_2805del on transcript NM_001040716.2 (MANE Select); coding-DNA positions 2804 to 2805, 2 bases deleted (CG; older notation c.2804_2805delCG).
Protein change: p.Ala935fs; shifts the reading frame from alanine 935.
Molecular consequence: frameshift variant.
Genome position (GRCh38, 1-based): chr11:66,850,030-66,850,031, CG deleted on the plus strand (CG on the coding strand, the reverse complement: PC is on the minus strand); deleting any 2 consecutive bases within chr11:66,850,030-66,850,032 gives the same sequence; the c. name uses the placement nearest the transcript's 3' end. VCF-style (leftmost placement, unchanged base first): chr11-66850029-CCG-C. GRCh37 (hg19) VCF-style: chr11-66617500-CCG-C.
Other names: c.2804_2805del, p.Ala935fs (NM_000920.4, NM_022172.3); short protein forms A935fs.
Identifiers: ClinVar variation 1726352 (VCV001726352.2), dbSNP rs2495414125, ClinGen allele CA2580084564.